The following is an entry in ClinVar:

NM_000199.5(SGSH):c.1325G>A (p.Ser442Asn)

Gene: SGSH (N-sulfoglucosamine sulfohydrolase; minus strand). Cytogenetic location: 17q25.3.
Variant type: single nucleotide variant.
Coding change: c.1325G>A on transcript NM_000199.5 (MANE Select); coding-DNA position 1325, G replaced by A.
Protein change: p.Ser442Asn; replaces serine 442 with asparagine.
Molecular consequence: missense variant. On other transcripts: 3 prime UTR variant (2), non-coding transcript variant (1).
Genome position (GRCh38, 1-based): chr17:80,210,636, C>T on the plus strand (G>A on the coding strand, the complement: SGSH is on the minus strand). VCF-style: chr17-80210636-C-T. GRCh37 (hg19) VCF-style: chr17-78184435-C-T.
Other names: c.*412G>A (NM_001352921.3); c.*375G>A (NM_001352922.2); short protein forms S442N.
Identifiers: ClinVar variation 1513961 (VCV001513961.5), dbSNP rs1047935424, ClinGen allele CA294890469.

ClinVar aggregate classification (germline): Uncertain significance (1 of 4 stars; one submission).

Conditions:
Mucopolysaccharidosis, MPS-III-A (MPS3A). Also called: HEPARAN SULFATE SULFATASE DEFICIENCY; SANFILIPPO SYNDROME A; SULFAMIDASE DEFICIENCY; MPS III A; MPS IIIA (Sanfilippo Syndrome Type A); Mucopolysaccharidosis type IIIA (Sanfilippo A). Identifiers: Orphanet 581, Orphanet 79269, MedGen C0086647, MONDO:0009655, OMIM 252900.

Allele frequency attached by ClinVar (database versions not stated): gnomAD 0.00002; gnomAD exomes 0.00001; TOPMed 0.00001.
gnomAD v4.1: 63 of 1,613,792 alleles (0.0039%); highest among the groups gnomAD compares: Non-Finnish European, 0.0049%; no homozygotes.

Submission:

Labcorp Genetics (formerly Invitae), Labcorp
Classification: Uncertain significance for Mucopolysaccharidosis, MPS-III-A. Last evaluated: 2022-08-12. Review status: criteria provided, single submitter. Criteria: Invitae Variant Classification Sherloc (09022015). Collection method: clinical testing. Allele origin: germline.
Comment: This sequence change replaces serine, which is neutral and polar, with asparagine, which is neutral and polar, at codon 442 of the SGSH protein (p.Ser442Asn). This variant is present in population databases (no rsID available, gnomAD 0.0009%). This variant has not been reported in the literature in individuals affected with SGSH-related conditions. ClinVar contains an entry for this variant (Variation ID: 1513961). Algorithms developed to predict the effect of missense changes on protein structure and function (SIFT, PolyPhen-2, Align-GVGD) all suggest that this variant is likely to be tolerated. In summary, the available evidence is currently insufficient to determine the role of this variant in disease. Therefore, it has been classified as a Variant of Uncertain Significance.